The following is an entry in ClinVar:

NM_001042492.3(NF1):c.1767A>C (p.Gln589His)

Gene: NF1 (neurofibromin 1; plus strand). Cytogenetic location: 17q11.2.
Variant type: single nucleotide variant.
Coding change: c.1767A>C on transcript NM_001042492.3 (MANE Select); coding-DNA position 1767, A replaced by C.
Protein change: p.Gln589His; replaces glutamine 589 with histidine.
Molecular consequence: missense variant.
Genome position (GRCh38, 1-based): chr17:31,223,489, A>C. VCF-style: chr17-31223489-A-C. GRCh37 (hg19) VCF-style: chr17-29550507-A-C.
Other names: c.1767A>C, p.Gln589His (NM_000267.4); short protein forms Q589H.
Identifiers: ClinVar variation 2832292 (VCV002832292.3), dbSNP rs2144016279, ClinGen allele CA399004225.
Genomic context (GRCh38, chr17:31,223,489, plus strand): 5'-TTTATGTTACTGCAGCTCACAAATGCTTTTTTACATCTGCAAGAAATTAACTAGTCATCA[A>C]ATGCTTAGTAGCACAGAAATTCTCAAGTGGTTGCGGGAAATATTGATCTGCAGGAATAAA-3'
Protein context (NP_001035957.1, residues 579-599): FYICKKLTSH[Gln589His]MLSSTEILKW

ClinVar aggregate classification (germline): Uncertain significance (1 of 4 stars; one submission).

Conditions:
Neurofibromatosis, type 1 (NF1). Also called: VON RECKLINGHAUSEN DISEASE; NEUROFIBROMATOSIS, TYPE I, SOMATIC; Neurofibromatosis, type I; Peripheral type neurofibromatosis. Identifiers: Orphanet 636, MedGen C0027831, MONDO:0018975, OMIM 162200. Disease mechanism: loss of function.

Submission:

Labcorp Genetics (formerly Invitae), Labcorp
Classification: Uncertain significance for Neurofibromatosis, type 1. Last evaluated: 2023-08-28. Review status: criteria provided, single submitter. Criteria: Invitae Variant Classification Sherloc (09022015). Collection method: clinical testing. Allele origin: germline.
Comment: Advanced modeling of protein sequence and biophysical properties (such as structural, functional, and spatial information, amino acid conservation, physicochemical variation, residue mobility, and thermodynamic stability) performed at Invitae indicates that this missense variant is not expected to disrupt NF1 protein function. In summary, the available evidence is currently insufficient to determine the role of this variant in disease. Therefore, it has been classified as a Variant of Uncertain Significance. This variant has not been reported in the literature in individuals affected with NF1-related conditions. This variant is not present in population databases (gnomAD no frequency). This sequence change replaces glutamine, which is neutral and polar, with histidine, which is basic and polar, at codon 589 of the NF1 protein (p.Gln589His).